The following is an entry in ClinVar:

NM_181332.3(NLGN4X):c.533T>C (p.Met178Thr)

Gene: NLGN4X (neuroligin 4 X-linked; minus strand). Cytogenetic location: Xp22.32.
Variant type: single nucleotide variant.
Coding change: c.533T>C on transcript NM_181332.3 (MANE Select); coding-DNA position 533, T replaced by C.
Protein change: p.Met178Thr; replaces methionine 178 with threonine.
Molecular consequence: missense variant.
Genome position (GRCh38, 1-based): chrX:6,029,372, A>G on the plus strand (T>C on the coding strand, the complement: NLGN4X is on the minus strand). VCF-style: chrX-6029372-A-G. GRCh37 (hg19) VCF-style: chrX-5947413-A-G.
Other names: c.533T>C, p.Met178Thr (NM_001282145.2, NM_001282146.2, NM_020742.4); short protein forms M178T.
Identifiers: ClinVar variation 3252334 (VCV003252334.1), dbSNP rs2036794230.
Genomic context (GRCh38, chrX:6,029,372, plus strand): 5'-ACGATGACGTTTCCGTAGCTTGCCAAAATGCTGCCGTCAATCATGTTGCCGGTGCCCTCC[A>G]TGTAAGATCCCCCATGGATATAGACCATGACGGGCTTCTTACTGTTCTGATCATGAATAT-3'
Protein context (NP_851849.1, residues 168-188): VMVYIHGGSY[Met178Thr]EGTGNMIDGS

ClinVar aggregate classification (germline): Uncertain significance (1 of 4 stars; one submission).

Submission:

GeneDx
Classification: Uncertain significance. Last evaluated: 2023-12-07. Review status: criteria provided, single submitter. Criteria: GeneDx Variant Classification Process June 2021. Collection method: clinical testing. Allele origin: germline. Affected: yes.
Comment: Not observed at significant frequency in large population cohorts (gnomAD); In silico analysis supports that this missense variant does not alter protein structure/function; Has not been previously published as pathogenic or benign to our knowledge